The following is an entry in ClinVar:

NM_006506.5(RASA2):c.2215C>G (p.Pro739Ala)

Gene: RASA2 (RAS p21 protein activator 2; plus strand). Cytogenetic location: 3q23.
Variant type: single nucleotide variant.
Coding change: c.2215C>G on transcript NM_006506.5 (MANE Select); coding-DNA position 2215, C replaced by G.
Protein change: p.Pro739Ala; replaces proline 739 with alanine.
Molecular consequence: missense variant.
Genome position (GRCh38, 1-based): chr3:141,608,687, C>G. VCF-style: chr3-141608687-C-G. GRCh37 (hg19) VCF-style: chr3-141327529-C-G.
Other names: c.2218C>G, p.Pro740Ala (NM_001303245.3); c.2227C>G, p.Pro743Ala (NM_001303246.3); short protein forms P739A, P740A, P743A.
Identifiers: ClinVar variation 496323 (VCV000496323.12), dbSNP rs201360260, ClinGen allele CA2645763.
Genomic context (GRCh38, chr3:141,608,687, plus strand): 5'-TATCTGAACGGAAATTGGCTCTGCTGTCAGGAGACTGGTGAAAACACTCTCGGCTGCAAG[C>G]CATGTACTGCGTAAGTTTCTTTCTGATTATAAAAGCAGTGTGTCAAAATTTGATATATCC-3'
Protein context (NP_006497.2, residues 729-749): ETGENTLGCK[Pro739Ala]CTAGVPADIQ

ClinVar aggregate classification (germline): Benign/Likely benign. Review status: criteria provided, multiple submitters, no conflicts (2 of 4 stars). 4 submissions from 4 submitters: Benign (2); Likely benign (2). Last evaluated 2025-10-13.

Allele frequency attached by ClinVar (database versions not stated): TOPMed 0.00005; 1000 Genomes Project 30x 0.00031; 1000 Genomes Project 0.00040; gnomAD exomes 0.00043 and 0.00090; gnomAD 0.00072 and 0.00076; ExAC 0.00102.
gnomAD v4.1: 754 of 1,612,736 alleles (0.047%); highest among the groups gnomAD compares: Non-Finnish European, 0.01%; 1 homozygote.

Submissions (4):

Labcorp Genetics (formerly Invitae), Labcorp
Classification: Benign. Last evaluated: 2025-10-13. Review status: criteria provided, single submitter. Criteria: Invitae Variant Classification Sherloc (09022015). Collection method: clinical testing. Allele origin: germline.

Blueprint Genetics
Classification: Likely benign. Last evaluated: 2024-11-25. Review status: criteria provided, single submitter. Criteria: ACMG Guidelines, 2015. Collection method: clinical testing. Allele origin: germline.

Ambry Genetics
Classification: Likely benign. Last evaluated: 2022-03-04. Review status: criteria provided, single submitter. Criteria: Ambry Variant Classification Scheme 2023. Collection method: clinical testing. Allele origin: germline.

Women's Health and Genetics/Laboratory Corporation of America, LabCorp
Classification: Benign. Last evaluated: 2017-07-05. Review status: criteria provided, single submitter. Criteria: LabCorp Variant Classification Summary - May 2015. Collection method: clinical testing. Allele origin: germline.
Comment: Variant summary: The RASA2 c.2215C>G (p.Pro739Ala) variant involves the alteration of a conserved nucleotide. 2/4 in silico tools predict benign outcome for this variant. This variant was found in 123/120440 control chromosomes at a frequency of 0.0010213, which is approximately 204 times the estimated maximal expected allele frequency of a pathogenic RASA2 variant (0.000005), suggesting this variant is likely a benign polymorphism. The variant of interest has not, to our knowledge, been reported in affected individuals via publications and/or reputable databases/clinical diagnostic laboratories. Taken together, this variant is classified as benign.